The following is an entry in ClinVar:

ClinVar aggregate classification (germline): Benign/Likely benign. Review status: criteria provided, multiple submitters, no conflicts (2 of 4 stars). 3 submissions from 3 submitters: Benign (1); Likely benign (2). Last evaluated 2024-05-01.

Conditions:
Alpha thalassemia-X-linked intellectual disability syndrome (ATRX). Also called: X-linked alpha-thalassemia-mental retardation syndrome; ALPHA-THALASSEMIA/IMPAIRED INTELLECTUAL DEVELOPMENT SYNDROME, X-LINKED; ALPHA-THALASSEMIA/MENTAL RETARDATION SYNDROME, X-LINKED; ATR, NONDELETION TYPE; ATR-X syndrome; Alpha thalassemia mental retardation syndrome, nondeletion type, X-linked. Identifiers: Orphanet 847, MedGen C1845055, MONDO:0010519, OMIM 301040.

Allele frequency attached by ClinVar (database versions not stated): gnomAD exomes 0.00002; TOPMed 0.00002; gnomAD 0.00001; ExAC 0.00002.
gnomAD v4.1: 24 of 1,208,261 alleles (0.002%); highest among the groups gnomAD compares: South Asian, 0.0035%; no homozygotes.

Submissions (3):

CeGaT Center for Human Genetics Tuebingen
Classification: Likely benign. Last evaluated: 2024-05-01. Review status: criteria provided, single submitter. Criteria: CeGaT Center For Human Genetics Tuebingen Variant Classification Criteria Version 2. Collection method: clinical testing. Allele origin: germline. Affected: yes. Observed: 1 variant allele.
Comment: ATRX: BS2

Labcorp Genetics (formerly Invitae), Labcorp
Classification: Benign for Alpha thalassemia-X-linked intellectual disability syndrome. Last evaluated: 2024-01-04. Review status: criteria provided, single submitter. Criteria: Invitae Variant Classification Sherloc (09022015). Collection method: clinical testing. Allele origin: germline.

Blueprint Genetics
Classification: Likely benign. Last evaluated: 2021-09-01. Review status: criteria provided, single submitter. Criteria: ACMG Guidelines, 2015. Collection method: clinical testing. Allele origin: germline.

NM_000489.6(ATRX):c.917A>G (p.Asn306Ser)

Gene: ATRX (ATRX chromatin remodeler; minus strand). Cytogenetic location: Xq21.1.
Variant type: single nucleotide variant.
Coding change: c.917A>G on transcript NM_000489.6 (MANE Select); coding-DNA position 917, A replaced by G.
Protein change: p.Asn306Ser; replaces asparagine 306 with serine.
Molecular consequence: missense variant.
Genome position (GRCh38, 1-based): chrX:77,684,339, T>C on the plus strand (A>G on the coding strand, the complement: ATRX is on the minus strand). VCF-style: chrX-77684339-T-C. GRCh37 (hg19) VCF-style: chrX-76939831-T-C.
Other names: c.803A>G, p.Asn268Ser (NM_138270.5); short protein forms N268S, N306S.
Identifiers: ClinVar variation 1166417 (VCV001166417.29), dbSNP rs782367711, ClinGen allele CA10458253.
Genomic context (GRCh38, chrX:77,684,339, plus strand): 5'-CCATTACAATTTGAACTAGTCTTCTTTGGAGAAAATCTGGATGTATGTTCATATACTTTA[T>C]TACTCTTTTCACTGTCAACTTTTATCTTCTTCTTATTTTGCTGCAACAACTGTTCTAAAT-3'
Protein context (NP_000480.3, residues 296-316): KKIKVDSEKS[Asn306Ser]KVYEHTSRFS